The following is an entry in ClinVar:

NM_002470.4(MYH3):c.4958A>T (p.Asp1653Val)

Gene: MYH3 (myosin heavy chain 3; minus strand). Cytogenetic location: 17p13.1.
Variant type: single nucleotide variant.
Coding change: c.4958A>T on transcript NM_002470.4 (MANE Select); coding-DNA position 4958, A replaced by T.
Protein change: p.Asp1653Val; replaces aspartic acid 1653 with valine.
Molecular consequence: missense variant.
Genome position (GRCh38, 1-based): chr17:10,632,015, T>A on the plus strand (A>T on the coding strand, the complement: MYH3 is on the minus strand). VCF-style: chr17-10632015-T-A. GRCh37 (hg19) VCF-style: chr17-10535332-T-A.
Other names: short protein forms D1653V.
Identifiers: ClinVar variation 4811427 (VCV004811427.1).

ClinVar aggregate classification (germline): Uncertain significance (1 of 4 stars; one submission).

gnomAD v4.1: 1 of 1,613,276 alleles (0.000062%); highest among the groups gnomAD compares: Non-Finnish European, 0.000085%; no homozygotes.

Submission:

Labcorp Genetics (formerly Invitae), Labcorp
Classification: Uncertain significance. Last evaluated: 2025-06-05. Review status: criteria provided, single submitter. Criteria: Invitae Variant Classification Sherloc (09022015). Collection method: clinical testing. Allele origin: germline.
Comment: This sequence change replaces aspartic acid, which is acidic and polar, with valine, which is neutral and non-polar, at codon 1653 of the MYH3 protein (p.Asp1653Val). This variant is not present in population databases (gnomAD no frequency). This variant has not been reported in the literature in individuals affected with MYH3-related conditions. An algorithm developed to predict the effect of missense changes on protein structure and function (PolyPhen-2) suggests that this variant is likely to be disruptive. In summary, the available evidence is currently insufficient to determine the role of this variant in disease. Therefore, it has been classified as a Variant of Uncertain Significance.